The following is an entry in ClinVar:

NM_001318876.2(POLR1C):c.1025G>T (p.Gly342Val)

Genes: XPO5 (exportin 5; minus strand), POLR1C (RNA polymerase I and III subunit C; plus strand). Cytogenetic location: 6p21.1.
Variant type: single nucleotide variant.
Coding change: c.1025G>T on transcript NM_001318876.2; coding-DNA position 1025, G replaced by T.
Protein change: p.Gly342Val; replaces glycine 342 with valine.
Molecular consequence: missense variant. On other transcripts: intron variant (2).
Genome position (GRCh38, 1-based): chr6:43,529,351, G>T. VCF-style: chr6-43529351-G-T. GRCh37 (hg19) VCF-style: chr6-43497089-G-T.
Other names: c.922+8303G>T (NM_001363658.2); c.2678-426C>A (NM_020750.3); short protein forms G342V.
Identifiers: ClinVar variation 3056863 (VCV003056863.2), dbSNP rs546413926, ClinGen allele CA3826052.

ClinVar aggregate classification (germline): Benign (0 of 4 stars; one submission).

Conditions:
POLR1C-related disorder. Also called: POLR1C-related condition; POLR1C-related disorders. Identifiers: MedGen CN239394, MONDO:0700278.

Allele frequency attached by ClinVar (database versions not stated): gnomAD 0.00537; 1000 Genomes Project 0.00579; 1000 Genomes Project 30x 0.00609; gnomAD exomes 0.00046; ExAC 0.00211.
gnomAD v4.1: 902 of 452,530 alleles (0.2%); highest among the groups gnomAD compares: African/African-American, 1.9%; 7 homozygotes.

Submission:

PreventionGenetics, part of Exact Sciences
Classification: Benign for POLR1C-related condition. Last evaluated: 2019-04-08. Review status: no assertion criteria provided. Collection method: clinical testing. Allele origin: germline.
Comment: This variant is classified as benign based on ACMG/AMP sequence variant interpretation guidelines (Richards et al. 2015 PMID: 25741868, with internal and published modifications).